The following is an entry in ClinVar:

ClinVar aggregate classification (germline): Benign (0 of 4 stars; one submission).

Conditions:
TET3-related disorder. Also called: TET3-related condition; TET3-Related Disease.

Allele frequency attached by ClinVar (database versions not stated): gnomAD exomes 0.00047; ExAC 0.00170; gnomAD 0.00428; TOPMed 0.00510; ESP Exome Variant Server 0.00543; 1000 Genomes Project 0.00659; 1000 Genomes Project 30x 0.00734.
gnomAD v4.1: 1,385 of 1,608,846 alleles (0.086%); highest among the groups gnomAD compares: African/African-American, 1.5%; 13 homozygotes.

Submission:

PreventionGenetics, part of Exact Sciences
Classification: Benign for TET3-related condition. Last evaluated: 2019-11-25. Review status: no assertion criteria provided. Collection method: clinical testing. Allele origin: germline.
Comment: This variant is classified as benign based on ACMG/AMP sequence variant interpretation guidelines (Richards et al. 2015 PMID: 25741868, with internal and published modifications).

NM_001287491.2(TET3):c.3138C>T (p.Asn1046=)

Gene: TET3 (tet methylcytosine dioxygenase 3; plus strand). Cytogenetic location: 2p13.1.
Variant type: single nucleotide variant.
Coding change: c.3138C>T on transcript NM_001287491.2 (MANE Select); coding-DNA position 3138, C replaced by T.
Protein change: p.Asn1046=; no amino-acid change (asparagine 1046 retained).
Molecular consequence: synonymous variant.
Genome position (GRCh38, 1-based): chr2:74,093,537, C>T. VCF-style: chr2-74093537-C-T. GRCh37 (hg19) VCF-style: chr2-74320664-C-T.
Other names: c.2859C>T, p.Asn953= (NM_001366022.1); c.2733C>T, p.Asn911= (NM_144993.1).
Identifiers: ClinVar variation 3050788 (VCV003050788.2), dbSNP rs141970343, ClinGen allele CA1718941.